The following is an entry in ClinVar:

ClinVar aggregate classification (germline): Uncertain significance (1 of 4 stars; one submission).

Conditions:
DNAJC13-related disorder. Also called: DNAJC13-related condition.

gnomAD v4.1: 140 of 1,613,814 alleles (0.0087%); highest among the groups gnomAD compares: Admixed American, 0.033%; 1 homozygote.

Submission:

PreventionGenetics, part of Exact Sciences
Classification: Uncertain significance for DNAJC13-related condition. Last evaluated: 2026-03-04. Review status: criteria provided, single submitter. Criteria: ACMG Guidelines, 2015. Collection method: clinical testing. Allele origin: germline.
Comment: The DNAJC13 c.3659C>T variant is predicted to result in the amino acid substitution p.Ala1220Val. To our knowledge, this variant has not been reported in the literature. This variant is reported in 0.012% of alleles in individuals of African descent in gnomAD. At this time, the clinical significance of this variant is uncertain due to the absence of conclusive functional and genetic evidence.

NM_015268.4(DNAJC13):c.3659C>T (p.Ala1220Val)

Gene: DNAJC13 (DnaJ heat shock protein family (Hsp40) member C13; plus strand). Cytogenetic location: 3q22.1.
Variant type: single nucleotide variant.
Coding change: c.3659C>T on transcript NM_015268.4 (MANE Select); coding-DNA position 3659, C replaced by T.
Protein change: p.Ala1220Val; replaces alanine 1220 with valine.
Molecular consequence: missense variant.
Genome position (GRCh38, 1-based): chr3:132,492,449, C>T. VCF-style: chr3-132492449-C-T. GRCh37 (hg19) VCF-style: chr3-132211293-C-T.
Other names: c.3674C>T, p.Ala1225Val (NM_001329126.2); short protein forms A1220V, A1225V.
Identifiers: ClinVar variation 4977840 (VCV004977840.1).